The following is an entry in ClinVar:

ClinVar aggregate classification (germline): VUS-mid (0 of 4 stars; one submission).

Conditions:
Autosomal recessive nonsyndromic hearing loss 9. Also called: NEUROSENSORY NONSYNDROMIC RECESSIVE DEAFNESS 9; OTOF-Related Hearing Loss; Deafness, autosomal recessive 9; AUDITORY NEUROPATHY, AUTOSOMAL RECESSIVE, 1, TEMPERATURE-SENSITIVE. Identifiers: Orphanet 90636, MedGen C1832828, MONDO:0010986, OMIM 601071.

Submission:

Diagnosis and Treatment Center of Genetic Hearing Loss, Eye & ENT Hospital of Fudan University
Classification: VUS-mid for Autosomal recessive nonsyndromic hearing loss 9. Last evaluated: 2026-02-04. Review status: no assertion criteria provided. Collection method: clinical testing. Allele origin: germline. Inheritance: Autosomal recessive inheritance. Affected: yes.
Comment: The c.5081C>T missense variant in OTOF is absent from population databases (PM2_Supporting). The phenotype is consistent with auditory neuropathy (PP4). The REVEL score is 0.624.

NM_194248.3(OTOF):c.5081C>T (p.Pro1694Leu)

Genes: OTOF (otoferlin; minus strand), LOC112840921 (BRD4-independent group 4 enhancer GRCh37_chr2:26685720-26686919; plus strand). Cytogenetic location: 2p23.3.
Variant type: single nucleotide variant.
Coding change: c.5081C>T on transcript NM_194248.3 (MANE Select); coding-DNA position 5081, C replaced by T.
Protein change: p.Pro1694Leu; replaces proline 1694 with leucine.
Molecular consequence: missense variant.
Genome position (GRCh38, 1-based): chr2:26,463,986, G>A on the plus strand (C>T on the coding strand, the complement: OTOF is on the minus strand). VCF-style: chr2-26463986-G-A. GRCh37 (hg19) VCF-style: chr2-26686854-G-A.
Other names: c.5081C>T, p.Pro1694Leu (NM_001287489.2); c.2780C>T, p.Pro927Leu (NM_004802.4, NM_194323.3); c.3011C>T, p.Pro1004Leu (NM_194322.3); short protein forms P1004L, P1694L, P927L.
Identifiers: ClinVar variation 4879955 (VCV004879955.1).